The following is an entry in ClinVar:

ClinVar aggregate classification (germline): Uncertain significance (1 of 4 stars; one submission).

Conditions:
Collagen 6-related myopathy. Identifiers: MedGen CN117976, MONDO:0100225.

gnomAD v4.1: 5 of 1,613,100 alleles (0.00031%); highest among the groups gnomAD compares: Non-Finnish European, 0.00042%; no homozygotes.

Submission:

Victorian Clinical Genetics Services, Murdoch Childrens Research Institute
Classification: Uncertain significance for Collagen 6-related myopathy. Last evaluated: 2019-08-28. Review status: criteria provided, single submitter. Criteria: ACMG Guidelines, 2015. Collection method: clinical testing. Allele origin: germline.
Comment: A heterozygous deletion-insertion variant was identified, NM_004369.3(COL6A3):c.4129_4130delins in exon 9 of 44 of the COL6A3 gene. This deletion-insertion is predicted to create a major amino acid change from a glutamine to a leucine at position 1377 of the protein, NP_004360.2(COL6A3):p.(Glu1377Leu). The glutamine at this position has low conservation (100 vertebrates, UCSC), and is located within the VWA domain. In silico software predicts this variant to be disease causing (Polyphen, SIFT, Mutation Taster). The variant is present in the gnomAD population database at a frequency of 0.0004% (1 heterozygote, 0 homozygotes). The variant has not been previously reported in clinical cases. Based on information available at the time of curation, this variant has been classified a VARIANT of UNCERTAIN SIGNIFICANCE (VUS).

NM_004369.4(COL6A3):c.4130A>T (p.Glu1377Val)

Gene: COL6A3 (collagen type VI alpha 3 chain; minus strand). Cytogenetic location: 2q37.3.
Variant type: single nucleotide variant.
Coding change: c.4130A>T on transcript NM_004369.4 (MANE Select); coding-DNA position 4130, A replaced by T.
Protein change: p.Glu1377Val; replaces glutamic acid 1377 with valine.
Molecular consequence: missense variant.
Genome position (GRCh38, 1-based): chr2:237,371,887, T>A on the plus strand (A>T on the coding strand, the complement: COL6A3 is on the minus strand). VCF-style: chr2-237371887-T-A. GRCh37 (hg19) VCF-style: chr2-238280530-T-A.
Other names: c.2909A>T, p.Glu970Val (NM_057164.5); c.3512A>T, p.Glu1171Val (NM_057165.5, NM_057167.4); c.2309A>T, p.Glu770Val (NM_057166.5); short protein forms E1171V, E1377V, E770V, E970V.
Identifiers: ClinVar variation 3377445 (VCV003377445.1).